The following is an entry in ClinVar:

ClinVar aggregate classification (germline): Uncertain significance (1 of 4 stars; one submission).

Conditions:
Immunodeficiency. Identifiers: MedGen C0021051, MONDO:0021094, HP:0002721.

Submission:

Victorian Clinical Genetics Services, Murdoch Childrens Research Institute
Classification: Uncertain significance for Immunodeficiency. Last evaluated: 2022-02-02. Review status: criteria provided, single submitter. Criteria: ACMG Guidelines, 2015. Collection method: clinical testing. Allele origin: germline. Inheritance: X-linked recessive inheritance. Affected: yes.
Comment: Based on the classification scheme VCGS_Germline_v1.3.4, this variant is classified as VUS-3A. Following criteria are met: 0102 - Loss of function is a known mechanism of disease in this gene and is associated with SASH3-related immunodeficiency (PMID: 33876203). (I) 0109 - This gene is associated with X-linked recessive disease. (I) 0212 - Non-canonical splice site variant without proven consequence on splicing (no functional evidence available). (SP) 0253 - This variant is hemizygous. (I) 0301 - Variant is absent from gnomAD (both v2 and v3). (SP) 0506 - Abnormal splicing is not predicted, however the nucleotide is moderately conserved. (I) 0705 - No comparable splice site variants have previous evidence for pathogenicity. (I) 0807 - This variant has no previous evidence of pathogenicity. (I) 0905 - No published segregation evidence has been identified for this variant. (I) 1007 - No published functional evidence has been identified for this variant. (I) 1102 - Strong phenotype match for this individual. (I) Legend: (SP) - Supporting pathogenic, (I) - Information, (SB) - Supporting benign

Literature cited by the submitters: PubMed 33876203.

NM_018990.4(SASH3):c.442+3G>A

Gene: SASH3 (SAM and SH3 domain containing 3; plus strand). Cytogenetic location: Xq26.1.
Variant type: single nucleotide variant.
Coding change: c.442+3G>A on transcript NM_018990.4 (MANE Select); 3 bases into the intron after coding-DNA position 442, G replaced by A.
Molecular consequence: intron variant.
Genome position (GRCh38, 1-based): chrX:129,791,084, G>A. VCF-style: chrX-129791084-G-A. GRCh37 (hg19) VCF-style: chrX-128925060-G-A.
Identifiers: ClinVar variation 1699492 (VCV001699492.3), dbSNP rs2124081404, ClinGen allele CA2573131743.